The following is an entry in ClinVar:

NM_139276.3(STAT3):c.2117T>A (p.Leu706Gln)

Gene: STAT3 (signal transducer and activator of transcription 3; minus strand). Cytogenetic location: 17q21.2.
Variant type: single nucleotide variant.
Coding change: c.2117T>A on transcript NM_139276.3 (MANE Select); coding-DNA position 2117, T replaced by A.
Protein change: p.Leu706Gln; replaces leucine 706 with glutamine.
Molecular consequence: missense variant. On other transcripts: intron variant (1).
Genome position (GRCh38, 1-based): chr17:42,317,209, A>T on the plus strand (T>A on the coding strand, the complement: STAT3 is on the minus strand). VCF-style: chr17-42317209-A-T. GRCh37 (hg19) VCF-style: chr17-40469227-A-T.
Other names: c.2117T>A, p.Leu706Gln (NM_001369512.1, NM_001369513.1, NM_001369517.1 and 3 more transcripts); c.2114T>A, p.Leu705Gln (NM_001369514.1, NM_001369516.1, NM_001369519.1 and 2 more transcripts); c.2033T>A, p.Leu678Gln (NM_001384984.1); c.2039T>A, p.Leu680Gln (NM_001384985.1); c.2129T>A, p.Leu710Gln (NM_001384986.1); c.2096T>A, p.Leu699Gln (NM_001384987.1); c.2018T>A, p.Leu673Gln (NM_001384989.1); c.2132T>A, p.Leu711Gln (NM_001384990.1); and 3 more; short protein forms L678Q, L686Q, L680Q, L697Q, L706Q, L711Q, L673Q, L710Q.
Identifiers: ClinVar variation 4782486 (VCV004782486.1).

ClinVar aggregate classification (germline): Uncertain significance (1 of 4 stars; one submission).

Conditions:
STAT3 gain of function. Identifiers: MedGen C4288261.
Hyper-IgE recurrent infection syndrome 1, autosomal dominant. Also called: JOB SYNDROME; Job's Syndrome; STAT3 Hyper IgE Syndrome; Hyper-IgE recurrent infection syndrome 1; HYPER-IgE SYNDROME 1, AUTOSOMAL DOMINANT, WITH RECURRENT INFECTIONS. Identifiers: Orphanet 2314, MedGen C2936739, MONDO:0007818, OMIM 147060.

Submission:

Labcorp Genetics (formerly Invitae), Labcorp
Classification: Uncertain significance for STAT3 gain of function; Hyper-IgE recurrent infection syndrome 1, autosomal dominant. Last evaluated: 2025-02-10. Review status: criteria provided, single submitter. Criteria: Invitae Variant Classification Sherloc (09022015). Collection method: clinical testing. Allele origin: germline.
Comment: This sequence change replaces leucine, which is neutral and non-polar, with glutamine, which is neutral and polar, at codon 706 of the STAT3 protein (p.Leu706Gln). This variant is not present in population databases (gnomAD no frequency). This missense change has been observed in individual(s) with Hyper-IgE syndrome (internal data). Invitae Evidence Modeling of protein sequence and biophysical properties (such as structural, functional, and spatial information, amino acid conservation, physicochemical variation, residue mobility, and thermodynamic stability) indicates that this missense variant is not expected to disrupt STAT3 protein function with a negative predictive value of 80%. This variant disrupts the p.Leu706 amino acid residue in STAT3. Other variant(s) that disrupt this residue have been determined to be pathogenic (PMID: 20048285, 27315770). This suggests that this residue is clinically significant, and that variants that disrupt this residue are likely to be disease-causing. In summary, the available evidence is currently insufficient to determine the role of this variant in disease. Therefore, it has been classified as a Variant of Uncertain Significance.

Literature cited by the submitters: PubMed 20048285; PubMed 27315770.